The following is an entry in ClinVar:

NM_020708.5(SLC12A5):c.553T>C (p.Tyr185His)

Gene: SLC12A5 (solute carrier family 12 member 5; plus strand). Cytogenetic location: 20q13.12.
Variant type: single nucleotide variant.
Coding change: c.553T>C on transcript NM_020708.5 (MANE Select); coding-DNA position 553, T replaced by C.
Protein change: p.Tyr185His; replaces tyrosine 185 with histidine.
Molecular consequence: missense variant.
Genome position (GRCh38, 1-based): chr20:46,037,326, T>C. VCF-style: chr20-46037326-T-C. GRCh37 (hg19) VCF-style: chr20-44665965-T-C.
Other names: c.622T>C, p.Tyr208His (NM_001134771.2); short protein forms Y185H, Y208H.
Identifiers: ClinVar variation 2104222 (VCV002104222.4), dbSNP rs2515634855, ClinGen allele CA409188713.

ClinVar aggregate classification (germline): Uncertain significance (1 of 4 stars; one submission).

Conditions:
Developmental and epileptic encephalopathy, 34 (DEE34). Also called: SLC12A5-Related Epilepsy of Infancy with Migrating Focal Seizures; Early infantile epileptic encephalopathy 34. Identifiers: Orphanet 293181, MedGen C4225257, MONDO:0014718, OMIM 616645.

Allele frequency attached by ClinVar (database versions not stated): gnomAD exomes below 0.00001.
gnomAD v4.1: 1 of 1,613,656 alleles (0.000062%); highest among the groups gnomAD compares: Non-Finnish European, 0.000085%; no homozygotes.

Submission:

Labcorp Genetics (formerly Invitae), Labcorp
Classification: Uncertain significance for Developmental and epileptic encephalopathy, 34. Last evaluated: 2023-10-03. Review status: criteria provided, single submitter. Criteria: Invitae Variant Classification Sherloc (09022015). Collection method: clinical testing. Allele origin: germline.
Comment: This sequence change replaces tyrosine, which is neutral and polar, with histidine, which is basic and polar, at codon 185 of the SLC12A5 protein (p.Tyr185His). This variant is not present in population databases (gnomAD no frequency). This variant has not been reported in the literature in individuals affected with SLC12A5-related conditions. ClinVar contains an entry for this variant (Variation ID: 2104222). Advanced modeling of protein sequence and biophysical properties (such as structural, functional, and spatial information, amino acid conservation, physicochemical variation, residue mobility, and thermodynamic stability) performed at Invitae indicates that this missense variant is expected to disrupt SLC12A5 protein function. In summary, the available evidence is currently insufficient to determine the role of this variant in disease. Therefore, it has been classified as a Variant of Uncertain Significance.